The following is an entry in ClinVar:

NM_080680.3(COL11A2):c.2332G>A (p.Gly778Arg)

Gene: COL11A2 (collagen type XI alpha 2 chain; minus strand). Cytogenetic location: 6p21.32.
Variant type: single nucleotide variant.
Coding change: c.2332G>A on transcript NM_080680.3 (MANE Select); coding-DNA position 2332, G replaced by A.
Protein change: p.Gly778Arg; replaces glycine 778 with arginine.
Molecular consequence: missense variant.
Genome position (GRCh38, 1-based): chr6:33,175,618, C>T on the plus strand (G>A on the coding strand, the complement: COL11A2 is on the minus strand). VCF-style: chr6-33175618-C-T. GRCh37 (hg19) VCF-style: chr6-33143395-C-T.
Other names: c.2152G>A, p.Gly718Arg (NM_001424108.1); c.1486G>A, p.Gly496Arg (NM_001424109.1); c.1306G>A, p.Gly436Arg (NM_001424110.1, NM_001424111.1); c.286G>A, p.Gly96Arg (NM_001424112.1); c.2011G>A, p.Gly671Arg (NM_080679.3); c.2074G>A, p.Gly692Arg (NM_080681.3); short protein forms G96R, G496R, G718R, G436R, G692R, G671R, G778R.
Identifiers: ClinVar variation 2702629 (VCV002702629.3), dbSNP rs2535039934, ClinGen allele CA363646858.

ClinVar aggregate classification (germline): Uncertain significance (1 of 4 stars; one submission).

Submission:

Labcorp Genetics (formerly Invitae), Labcorp
Classification: Uncertain significance. Last evaluated: 2024-02-05. Review status: criteria provided, single submitter. Criteria: Invitae Variant Classification Sherloc (09022015). Collection method: clinical testing. Allele origin: germline.
Comment: This sequence change replaces glycine, which is neutral and non-polar, with arginine, which is basic and polar, at codon 778 of the COL11A2 protein (p.Gly778Arg). This variant is not present in population databases (gnomAD no frequency). This variant has not been reported in the literature in individuals affected with COL11A2-related conditions. Advanced modeling of protein sequence and biophysical properties (such as structural, functional, and spatial information, amino acid conservation, physicochemical variation, residue mobility, and thermodynamic stability) performed at Invitae indicates that this missense variant is expected to disrupt COL11A2 protein function with a positive predictive value of 95%. In summary, the available evidence is currently insufficient to determine the role of this variant in disease. Therefore, it has been classified as a Variant of Uncertain Significance.